The following is an entry in ClinVar:

NM_006206.6(PDGFRA):c.2902G>A (p.Asp968Asn)

Gene: PDGFRA (platelet derived growth factor receptor alpha; plus strand). Cytogenetic location: 4q12.
Variant type: single nucleotide variant.
Coding change: c.2902G>A on transcript NM_006206.6 (MANE Select); coding-DNA position 2902, G replaced by A.
Protein change: p.Asp968Asn; replaces aspartic acid 968 with asparagine.
Molecular consequence: missense variant.
Genome position (GRCh38, 1-based): chr4:54,290,334, G>A. VCF-style: chr4-54290334-G-A. GRCh37 (hg19) VCF-style: chr4-55156501-G-A.
Other names: c.2977G>A, p.Asp993Asn (NM_001347828.2); c.2902G>A, p.Asp968Asn (NM_001347829.2); c.2941G>A, p.Asp981Asn (NM_001347830.2); short protein forms D968N, D981N, D993N.
Identifiers: ClinVar variation 1006998 (VCV001006998.11), dbSNP rs1724560647, ClinGen allele CA356895953.

ClinVar aggregate classification (germline): Uncertain significance. Review status: criteria provided, multiple submitters, no conflicts (2 of 4 stars). 2 submissions from 2 submitters: Uncertain significance (2). Last evaluated 2021-08-17.

Conditions:
Hereditary cancer-predisposing syndrome. Also called: Neoplastic Syndromes, Hereditary; Hereditary Cancer Syndrome; Hereditary neoplastic syndrome; Tumor predisposition. Identifiers: Orphanet 140162, MedGen C0027672, MeSH D009386, MONDO:0015356.
Gastrointestinal stromal tumor. Also called: Gastrointestinal stromal tumor, somatic; Gastrointestinal stroma tumor. Identifiers: Orphanet 44890, MedGen C0238198, MeSH D046152, MONDO:0011719, OMIM 606764, HP:0100723.

gnomAD v4.1: 1 of 1,612,258 alleles (0.000062%); highest among the groups gnomAD compares: South Asian, 0.0011%; no homozygotes.

Submissions (2):

Ambry Genetics
Classification: Uncertain significance for Hereditary cancer-predisposing syndrome. Last evaluated: 2021-08-17. Review status: criteria provided, single submitter. Criteria: Ambry Variant Classification Scheme 2023. Collection method: clinical testing. Allele origin: germline.
Comment: The p.D968N variant (also known as c.2902G>A), located in coding exon 21 of the PDGFRA gene, results from a G to A substitution at nucleotide position 2902. The aspartic acid at codon 968 is replaced by asparagine, an amino acid with highly similar properties. This amino acid position is conserved. In addition, this alteration is predicted to be tolerated by in silico analysis. Since supporting evidence is limited at this time, the clinical significance of this alteration remains unclear.

Labcorp Genetics (formerly Invitae), Labcorp
Classification: Uncertain significance for Gastrointestinal stromal tumor. Last evaluated: 2020-08-19. Review status: criteria provided, single submitter. Criteria: Invitae Variant Classification Sherloc (09022015). Collection method: clinical testing. Allele origin: germline.
Comment: This variant has not been reported in the literature in individuals with PDGFRA-related conditions. Algorithms developed to predict the effect of missense changes on protein structure and function are either unavailable or do not agree on the potential impact of this missense change (SIFT: "Tolerated"; PolyPhen-2: "Probably Damaging"; Align-GVGD: "Class C0"). This variant is not present in population databases (ExAC no frequency). This sequence change replaces aspartic acid with asparagine at codon 968 of the PDGFRA protein (p.Asp968Asn). The aspartic acid residue is moderately conserved and there is a small physicochemical difference between aspartic acid and asparagine. In summary, the available evidence is currently insufficient to determine the role of this variant in disease. Therefore, it has been classified as a Variant of Uncertain Significance.